The following is an entry in ClinVar:

NM_000426.4(LAMA2):c.8007del (p.Gln2670fs)

Gene: LAMA2 (laminin subunit alpha 2; plus strand). Cytogenetic location: 6q22.33.
Variant type: Deletion.
Coding change: c.8007del on transcript NM_000426.4 (MANE Select); coding-DNA position 8007, one base deleted (T; older notation c.8007delT).
Protein change: p.Gln2670fs; shifts the reading frame from glutamine 2670.
Molecular consequence: frameshift variant.
Genome position (GRCh38, 1-based): chr6:129,492,009, T deleted; the last of 3 consecutive T bases (chr6:129,492,007-129,492,009); deleting any one gives the same sequence. VCF-style (leftmost placement, unchanged base first): chr6-129492006-AT-A. GRCh37 (hg19) VCF-style: chr6-129813151-AT-A.
Other names: c.7995del, p.Gln2666fs (NM_001079823.2); short protein forms Q2666fs, Q2670fs.
Identifiers: ClinVar variation 5003265 (VCV005003265.1).

ClinVar aggregate classification (germline): Pathogenic (1 of 4 stars; one submission).

Conditions:
LAMA2-related muscular dystrophy (LAMA2-RD). Also called: Laminin alpha 2-related dystrophy. Identifiers: MedGen C5679788, MONDO:0100228.

Submission:

Myriad Genetics, Inc.
Classification: Pathogenic for LAMA2-related muscular dystrophy. Last evaluated: 2026-02-11. Review status: criteria provided, single submitter. Criteria: Myriad Autosomal Dominant, Autosomal Recessive and X-Linked Classification Criteria (2023). Collection method: clinical testing. Allele origin: unknown.
Comment: NM_000426.3(LAMA2):c.8007delT(Q2670Nfs*58) is a frameshift variant classified as pathogenic in the context of muscular dystrophy, LAMA2-related. Q2670Nfs*58 has been observed in cases with relevant disease (PMID: 16216942, 18053718). Relevant functional assessments of this variant are not available in the literature. Q2670Nfs*58 has not been observed in referenced population frequency databases. In summary, NM_000426.3(LAMA2):c.8007delT(Q2670Nfs*58) is a frameshift variant in a gene where loss of function is a known mechanism of disease, is predicted to disrupt protein function, and has been observed more frequently in cases with the relevant disease than in healthy populations. Please note: this variant was assessed in the context of healthy population screening.

Literature cited by the submitters: PubMed 16216942; PubMed 18053718.